The following is an entry in ClinVar:

NM_002693.3(POLG):c.3488T>G (p.Met1163Arg)

Gene: POLG (DNA polymerase gamma, catalytic subunit; minus strand). Cytogenetic location: 15q26.1.
Variant type: single nucleotide variant.
Coding change: c.3488T>G on transcript NM_002693.3 (MANE Select); coding-DNA position 3488, T replaced by G.
Protein change: p.Met1163Arg; replaces methionine 1163 with arginine.
Molecular consequence: missense variant.
Genome position (GRCh38, 1-based): chr15:89,317,531, A>C on the plus strand (T>G on the coding strand, the complement: POLG is on the minus strand). VCF-style: chr15-89317531-A-C. GRCh37 (hg19) VCF-style: chr15-89860762-A-C.
Other names: c.3488T>G, p.Met1163Arg (NM_001126131.2); short protein forms M1163R.
Identifiers: ClinVar variation 21314 (VCV000021314.6), dbSNP rs113994100, ClinGen allele CA341886.
Genomic context (GRCh38, chr15:89,317,531, plus strand): 5'-ACTGCACTGAAAAAGGCGACTGACTGGGGCAAGTCATTCAGACCCAGCTTGTAGGCAAAC[A>C]TGCACCTGAAAGAGACCCAATCTACTCTCACAGTCATGCCCCTCCTGTGAACAGATGCAT-3'
Protein context (NP_002684.1, residues 1153-1173): LQITNLLTRC[Met1163Arg]FAYKLGLNDL

ClinVar aggregate classification (germline): Uncertain significance. Review status: criteria provided, multiple submitters, no conflicts (2 of 4 stars). 3 submissions from 3 submitters: Uncertain significance (2). 1 of the submissions does not count toward it. Last evaluated 2025-09-16.

Conditions:
Mitochondrial disease. Also called: Mitochondrial disorders; Mitochondrial disorder. Identifiers: Orphanet 68380, MedGen C0751651, MeSH D028361, MONDO:0044970.

Submissions (3):

Women's Health and Genetics/Laboratory Corporation of America, LabCorp
Classification: Uncertain significance. Last evaluated: 2025-09-16. Review status: criteria provided, single submitter. Criteria: LabCorp Variant Classification Summary - May 2015. Collection method: clinical testing. Allele origin: germline.
Comment: Variant summary: POLG c.3488T>G (p.Met1163Arg) results in a non-conservative amino acid change in the encoded protein sequence. Algorithms developed to predict the effect of missense changes on protein structure and function all suggest that this variant is likely to be disruptive. The variant was absent in 251390 control chromosomes. The available data on variant occurrences in the general population are insufficient to allow any conclusion about variant significance. c.3488T>G has been observed in individual(s) affected with Mitochondrial DNA Depletion Syndrome - POLG Related (Sofou_2012). These data do not allow any conclusion about variant significance. To our knowledge, no experimental evidence demonstrating an impact on protein function has been reported. The following publications have been ascertained in the context of this evaluation (PMID: 32391929, 16896309, 22237560). ClinVar contains an entry for this variant (Variation ID: 21314). Based on the evidence outlined above, the variant was classified as uncertain significance.

Blueprint Genetics
Classification: Uncertain significance. Last evaluated: 2024-05-24. Review status: criteria provided, single submitter. Criteria: ACMG Guidelines, 2015. Collection method: clinical testing. Allele origin: germline.

GeneReviews
No classification provided. Condition: Mitochondrial disease. Review status: no classification provided. Collection method: literature only. Allele origin: germline. Not counted in ClinVar's aggregate classification.

Literature cited by the submitters: PubMed 16896309 (cited by Women's Health and Genetics/Laboratory Corporation of America, LabCorp); PubMed 32391929 (cited by Women's Health and Genetics/Laboratory Corporation of America, LabCorp); PubMed 22237560 (cited by Women's Health and Genetics/Laboratory Corporation of America, LabCorp); NCBI Bookshelf NBK26471 (cited by GeneReviews).